The following is an entry in ClinVar:

NM_020975.6(RET):c.1363G>C (p.Val455Leu)

Gene: RET (ret proto-oncogene; plus strand). Cytogenetic location: 10q11.21.
Variant type: single nucleotide variant.
Coding change: c.1363G>C on transcript NM_020975.6 (MANE Select); coding-DNA position 1363, G replaced by C.
Protein change: p.Val455Leu; replaces valine 455 with leucine.
Molecular consequence: missense variant. On other transcripts: intron variant (15).
Genome position (GRCh38, 1-based): chr10:43,111,306, G>C. VCF-style: chr10-43111306-G-C. GRCh37 (hg19) VCF-style: chr10-43606754-G-C.
Other names: c.1363G>C, p.Val455Leu (NM_000323.2, NM_001406743.1, NM_001406744.1 and 6 more transcripts); c.601G>C, p.Val201Leu (NM_001355216.2); c.1234G>C, p.Val412Leu (NM_001406761.1, NM_001406762.1, NM_001406764.1 and 1 more transcripts); c.1075G>C, p.Val359Leu (NM_001406766.1, NM_001406767.1, NM_001406770.1); c.967G>C, p.Val323Leu (NM_001406769.1, NM_001406772.1); c.925G>C, p.Val309Leu (NM_001406771.1, NM_001406773.1); c.838G>C, p.Val280Leu (NM_001406774.1); c.637G>C, p.Val213Leu (NM_001406775.1, NM_001406776.1, NM_001406777.1 and 1 more transcripts); and 5 more; short protein forms V323L, V280L, V309L, V359L, V412L, V455L, V213L, V125L.
Identifiers: ClinVar variation 2587896 (VCV002587896.2), dbSNP rs145966037, ClinGen allele CA376549223.

ClinVar aggregate classification (germline): Uncertain significance (1 of 4 stars; one submission).

Conditions:
Hereditary cancer-predisposing syndrome. Also called: Tumor predisposition; Hereditary Cancer Syndrome; Hereditary neoplastic syndrome; Neoplastic Syndromes, Hereditary. Identifiers: Orphanet 140162, MedGen C0027672, MeSH D009386, MONDO:0015356.

Submission:

Ambry Genetics
Classification: Uncertain significance for Hereditary cancer-predisposing syndrome. Last evaluated: 2023-09-14. Review status: criteria provided, single submitter. Criteria: Ambry Variant Classification Scheme 2023. Collection method: clinical testing. Allele origin: germline.
Comment: The p.V455L variant (also known as c.1363G>C), located in coding exon 7 of the RET gene, results from a G to C substitution at nucleotide position 1363. The valine at codon 455 is replaced by leucine, an amino acid with highly similar properties. This amino acid position is conserved. In addition, this alteration is predicted to be tolerated by in silico analysis. Since supporting evidence is limited at this time, the clinical significance of this alteration remains unclear.